The following is an entry in ClinVar:

NM_006660.5(CLPX):c.1252G>A (p.Val418Met)

Gene: CLPX (caseinolytic mitochondrial matrix peptidase chaperone subunit X; minus strand). Cytogenetic location: 15q22.31.
Variant type: single nucleotide variant.
Coding change: c.1252G>A on transcript NM_006660.5 (MANE Select); coding-DNA position 1252, G replaced by A.
Protein change: p.Val418Met; replaces valine 418 with methionine.
Molecular consequence: missense variant. On other transcripts: non-coding transcript variant (1).
Genome position (GRCh38, 1-based): chr15:65,155,751, C>T on the plus strand (G>A on the coding strand, the complement: CLPX is on the minus strand). VCF-style: chr15-65155751-C-T. GRCh37 (hg19) VCF-style: chr15-65448089-C-T.
Other names: short protein forms V418M.
Identifiers: ClinVar variation 3014712 (VCV003014712.3), dbSNP rs1306898547, ClinGen allele CA392869055.

ClinVar aggregate classification (germline): Uncertain significance (1 of 4 stars; one submission).

gnomAD v4.1: 3 of 1,614,138 alleles (0.00019%); highest among the groups gnomAD compares: Middle Eastern, 0.017%; no homozygotes.

Submission:

Labcorp Genetics (formerly Invitae), Labcorp
Classification: Uncertain significance. Last evaluated: 2024-11-04. Review status: criteria provided, single submitter. Criteria: Invitae Variant Classification Sherloc (09022015). Collection method: clinical testing. Allele origin: germline.
Comment: This sequence change replaces valine, which is neutral and non-polar, with methionine, which is neutral and non-polar, at codon 418 of the CLPX protein (p.Val418Met). This variant is not present in population databases (gnomAD no frequency). This variant has not been reported in the literature in individuals affected with CLPX-related conditions. ClinVar contains an entry for this variant (Variation ID: 3014712). Invitae Evidence Modeling of protein sequence and biophysical properties (such as structural, functional, and spatial information, amino acid conservation, physicochemical variation, residue mobility, and thermodynamic stability) indicates that this missense variant is not expected to disrupt CLPX protein function with a negative predictive value of 80%. In summary, the available evidence is currently insufficient to determine the role of this variant in disease. Therefore, it has been classified as a Variant of Uncertain Significance.